The following is an entry in ClinVar:

NM_000125.4(ESR1):c.896A>G (p.Lys299Arg)

Gene: ESR1 (estrogen receptor 1; plus strand). Cytogenetic location: 6q25.1.
Variant type: single nucleotide variant.
Coding change: c.896A>G on transcript NM_000125.4 (MANE Select); coding-DNA position 896, A replaced by G.
Protein change: p.Lys299Arg; replaces lysine 299 with arginine.
Molecular consequence: missense variant.
Genome position (GRCh38, 1-based): chr6:151,944,308, A>G. VCF-style: chr6-151944308-A-G. GRCh37 (hg19) VCF-style: chr6-152265443-A-G.
Other names: c.896A>G, p.Lys299Arg (NM_001122740.2, NM_001122741.2, NM_001122742.2 and 5 more transcripts); c.902A>G, p.Lys301Arg (NM_001291230.2); c.893A>G, p.Lys298Arg (NM_001291241.2); c.377A>G, p.Lys126Arg (NM_001328100.2); short protein forms K126R, K298R, K299R, K301R.
Identifiers: ClinVar variation 1193136 (VCV001193136.3), dbSNP rs77797873, ClinGen allele CA4052326.
Genomic context (GRCh38, chr6:151,944,308, plus strand): 5'-AAGTGGGGTCTGCTGGAGACATGAGAGCTGCCAACCTTTGGCCAAGCCCGCTCATGATCA[A>G]ACGCTCTAAGAAGAACAGCCTGGCCTTGTCCCTGACGGCCGACCAGATGGTCAGTGCCTT-3'
Protein context (NP_000116.2, residues 289-309): ANLWPSPLMI[Lys299Arg]RSKKNSLALS

ClinVar aggregate classification (germline): Uncertain significance. Review status: criteria provided, multiple submitters, no conflicts (2 of 4 stars). 2 submissions from 2 submitters: Uncertain significance (2). Last evaluated 2021-02-23.

Allele frequency attached by ClinVar (database versions not stated): 1000 Genomes Project 30x 0.00031; 1000 Genomes Project 0.00040; TOPMed 0.00083; gnomAD 0.00088 and 0.00090; gnomAD exomes 0.00090 and 0.00153; ExAC 0.00097; ESP Exome Variant Server 0.00154.
gnomAD v4.1: 2,339 of 1,614,190 alleles (0.14%); highest among the groups gnomAD compares: Non-Finnish European, 0.19%; 2 homozygotes.

Submissions (2):

GeneDx
Classification: Uncertain significance. Last evaluated: 2021-02-23. Review status: criteria provided, single submitter. Criteria: GeneDx Variant Classification Process June 2021. Collection method: clinical testing. Allele origin: germline. Affected: yes.
Comment: In silico analysis supports that this missense variant does not alter protein structure/function; This variant is associated with the following publications: (PMID: 11378852, 30787391, 27994185)

Breakthrough Genomics
Classification: Uncertain significance. Review status: criteria provided, single submitter. Criteria: ACMG Guidelines, 2015. Collection method: not provided. Allele origin: germline. Inheritance: Autosomal recessive inheritance. Affected: yes.